The following is an entry in ClinVar:

NM_000069.3(CACNA1S):c.2827G>C (p.Ala943Pro)

Gene: CACNA1S (calcium voltage-gated channel subunit alpha1 S; minus strand). Cytogenetic location: 1q32.1.
Variant type: single nucleotide variant.
Coding change: c.2827G>C on transcript NM_000069.3 (MANE Select); coding-DNA position 2827, G replaced by C.
Protein change: p.Ala943Pro; replaces alanine 943 with proline.
Molecular consequence: missense variant.
Genome position (GRCh38, 1-based): chr1:201,065,864, C>G on the plus strand (G>C on the coding strand, the complement: CACNA1S is on the minus strand). VCF-style: chr1-201065864-C-G. GRCh37 (hg19) VCF-style: chr1-201034992-C-G.
Other names: short protein forms A943P.
Identifiers: ClinVar variation 3074284 (VCV003074284.1), dbSNP rs1419258347, ClinGen allele CA344101359.
Genomic context (GRCh38, chr1:201,065,864, plus strand): 5'-GGAGGGGGAGCTGCTCGCGCAGGCTGGGGCTCACCTTGAAGAGCTGGACGCCGATGCAGG[C>G]AAACATGAACTGTAGGAGGGTAGTGACCAGCACGATGTTCCCGATGGTGCTGATGGCCAC-3'
Protein context (NP_000060.2, residues 933-953): LVTTLLQFMF[Ala943Pro]CIGVQLFKGK

ClinVar aggregate classification (germline): Uncertain significance (1 of 4 stars; one submission).

Conditions:
Malignant hyperthermia, susceptibility to, 5 (MHS5). Also called: CACNA1S-Related Malignant Hyperthermia Susceptibility. Identifiers: Orphanet 423, MedGen C1866077, MONDO:0011163, OMIM 601887.

Submission:

All of Us Research Program, National Institutes of Health
Classification: Uncertain significance for Malignant hyperthermia, susceptibility to, 5. Last evaluated: 2023-11-02. Review status: criteria provided, single submitter. Criteria: ACMG Guidelines, 2015. Collection method: clinical testing. Allele origin: germline. Inheritance: Autosomal dominant inheritance. Observed: 1 variant allele, 1 heterozygote.
Comment: This missense variant replaces alanine with proline at codon 943 of the CACNA1S protein. Computational prediction suggests that this variant may have deleterious impact on protein structure and function (internally defined REVEL score threshold >= 0.7, PMID: 27666373). To our knowledge, functional studies have not been reported for this variant. This variant has not been reported in individuals affected with CACNA1S-related disorders in the literature. This variant has not been identified in the general population by the Genome Aggregation Database (gnomAD). The available evidence is insufficient to determine the role of this variant in disease conclusively. Therefore, this variant is classified as a Variant of Uncertain Significance.

This study involves interpretation of variants in research participants for the purpose of population health screening. Participant phenotype was not available at the time of variant classification. Additional details can be found in publication PMID: 35346344, PMCID: PMC8962531